The following is an entry in ClinVar:

ClinVar aggregate classification (germline): Uncertain significance. Review status: criteria provided, multiple submitters, no conflicts (2 of 4 stars). 2 submissions from 2 submitters: Uncertain significance (2). Last evaluated 2025-03-24.

Allele frequency attached by ClinVar (database versions not stated): ExAC 0.00001; gnomAD 0.00001; TOPMed 0.00001; gnomAD exomes 0.00003; 1000 Genomes Project 30x 0.00016; 1000 Genomes Project 0.00020.

Submissions (2):

Labcorp Genetics (formerly Invitae), Labcorp
Classification: Uncertain significance. Last evaluated: 2025-03-24. Review status: criteria provided, single submitter. Criteria: Invitae Variant Classification Sherloc (09022015). Collection method: clinical testing. Allele origin: germline.
Comment: This sequence change replaces isoleucine, which is neutral and non-polar, with methionine, which is neutral and non-polar, at codon 519 of the THBD protein (p.Ile519Met). This variant is present in population databases (rs537228949, gnomAD 0.04%). This variant has not been reported in the literature in individuals affected with THBD-related conditions. ClinVar contains an entry for this variant (Variation ID: 1514607). Invitae Evidence Modeling of protein sequence and biophysical properties (such as structural, functional, and spatial information, amino acid conservation, physicochemical variation, residue mobility, and thermodynamic stability) indicates that this missense variant is not expected to disrupt THBD protein function with a negative predictive value of 80%. In summary, the available evidence is currently insufficient to determine the role of this variant in disease. Therefore, it has been classified as a Variant of Uncertain Significance.

Center for Genomic Medicine, Rigshospitalet, Copenhagen University Hospital
Classification: Uncertain significance. Last evaluated: 2025-03-04. Review status: criteria provided, single submitter. Criteria: ACMG Guidelines, 2015. Collection method: clinical testing. Allele origin: germline.
Comment: Classification criteria: PM2_Supporting

Literature cited by the submitters: PubMed 39841007 (cited by Center for Genomic Medicine, Rigshospitalet, Copenhagen University Hospital); PubMed 34628704 (cited by Center for Genomic Medicine, Rigshospitalet, Copenhagen University Hospital).

NM_000361.3(THBD):c.1557A>G (p.Ile519Met)

Gene: THBD (thrombomodulin; minus strand). Cytogenetic location: 20p11.21.
Variant type: single nucleotide variant.
Coding change: c.1557A>G on transcript NM_000361.3 (MANE Select); coding-DNA position 1557, A replaced by G.
Protein change: p.Ile519Met; replaces isoleucine 519 with methionine.
Molecular consequence: missense variant.
Genome position (GRCh38, 1-based): chr20:23,047,948, T>C on the plus strand (A>G on the coding strand, the complement: THBD is on the minus strand). VCF-style: chr20-23047948-T-C. GRCh37 (hg19) VCF-style: chr20-23028585-T-C.
Other names: short protein forms I519M.
Identifiers: ClinVar variation 1514607 (VCV001514607.9), dbSNP rs537228949, ClinGen allele CA9787528.
Genomic context (GRCh38, chr20:23,047,948, plus strand): 5'-CAGGTGGCAGAGGAGCGCCAAAAGCGCCACCACCAGGCACAGGCTCGCGATGGAGATGCC[T>C]ATGAGCAAGCCCGAATGCACGAGCCCCACGGCCGGAGGAGTCAAGGTGGAGCCGGGCGTC-3'
Protein context (NP_000352.1, residues 509-529): AVGLVHSGLL[Ile519Met]GISIASLCLV